The following is an entry in ClinVar:

NM_001376571.1(MADD):c.3477C>G (p.Ile1159Met)

Gene: MADD (MAP kinase activating death domain; plus strand). Cytogenetic location: 11p11.2.
Variant type: single nucleotide variant.
Coding change: c.3477C>G on transcript NM_001376571.1 (MANE Select); coding-DNA position 3477, C replaced by G.
Protein change: p.Ile1159Met; replaces isoleucine 1159 with methionine.
Molecular consequence: missense variant. On other transcripts: non-coding transcript variant (7).
Genome position (GRCh38, 1-based): chr11:47,293,944, C>G. VCF-style: chr11-47293944-C-G. GRCh37 (hg19) VCF-style: chr11-47315495-C-G.
Other names: c.3234C>G, p.Ile1078Met (NM_001135943.2, NM_001135944.2, NM_001376603.1 and 14 more transcripts); c.3477C>G, p.Ile1159Met (NM_001376572.1, NM_001376573.1, NM_001376599.1 and 4 more transcripts); c.3423C>G, p.Ile1141Met (NM_001376574.1, NM_001376605.1, NM_001376606.1 and 4 more transcripts); c.3417C>G, p.Ile1139Met (NM_001376575.1, NM_001376576.1, NM_001376577.1 and 2 more transcripts); c.3390C>G, p.Ile1130Met (NM_001376578.1); c.3363C>G, p.Ile1121Met (NM_001376579.1, NM_001376580.1, NM_001376584.1 and 7 more transcripts); c.3348C>G, p.Ile1116Met (NM_001376581.1, NM_001376582.1, NM_001376624.1 and 4 more transcripts); c.3315C>G, p.Ile1105Met (NM_001376583.1); and 17 more; short protein forms I1044M, I1048M, I1053M, I1062M, I1107M, I949M, I1071M, I1078M.
Identifiers: ClinVar variation 2590510 (VCV002590510.5), dbSNP rs780671093, ClinGen allele CA5974806.

ClinVar aggregate classification (germline): Uncertain significance. Review status: criteria provided, multiple submitters, no conflicts (2 of 4 stars). 4 submissions from 4 submitters: Uncertain significance (4). Last evaluated 2026-06-29.

Conditions:
Inborn genetic diseases. Identifiers: MedGen C0950123, MeSH D030342.
Neurodevelopmental disorder with dysmorphic facies, impaired speech, and hypotonia. Identifiers: MedGen C5436585, MONDO:0033562, OMIM 619005.
Deeah syndrome. Also called: DEVELOPMENTAL DELAY WITH ENDOCRINE, EXOCRINE, AUTONOMIC, AND HEMATOLOGIC ABNORMALITIES. Identifiers: Orphanet 686495, MedGen C5436579, MONDO:0033561, OMIM 619004.

Allele frequency attached by ClinVar (database versions not stated): gnomAD 0.00002; TOPMed 0.00005; ExAC 0.00007.
gnomAD v4.1: 84 of 1,614,066 alleles (0.0052%); highest among the groups gnomAD compares: Admixed American, 0.017%; no homozygotes.

Submissions (4):

Laboratory of Medical Genetics, University of Torino
Classification: Uncertain significance for Neurodevelopmental disorder with dysmorphic facies, impaired speech, and hypotonia. Last evaluated: 2026-06-29. Review status: criteria provided, single submitter. Criteria: ACMG Guidelines, 2015. Collection method: clinical testing. Allele origin: maternal. Affected: yes.

Blueprint Genetics
Classification: Uncertain significance. Last evaluated: 2024-10-31. Review status: criteria provided, single submitter. Criteria: ACMG Guidelines, 2015. Collection method: clinical testing. Allele origin: germline.

Pittsburgh Clinical Genomics Laboratory, University of Pittsburgh Medical Center
Classification: Uncertain significance for Deeah syndrome. Last evaluated: 2024-03-01. Review status: criteria provided, single submitter. Criteria: ACMG Guidelines, 2015. Collection method: clinical testing. Allele origin: germline. Inheritance: Autosomal recessive inheritance. Affected: yes.
Comment: This sequence variant is a single nucleotide substitution (C>G) at position 3477 of the coding sequence of the MADD gene that results in an isoleucine to methionine amino acid change at residue 1159 of the MAP kinase activating death domain protein. This is a previously reported variant (ClinVar 2590510) that has not been observed in the literature in individuals affected by MADD-related disease, to our knowledge. This variant is present in 84/1614066 alleles (0.005204%) in the gnomAD v4.0.0 population dataset. Multiple bioinformatic tools predict that this amino acid change would be neutral, and the Ile1159 residue at this position is highly conserved across the vertebrate species examined. Studies examining the functional consequence of this variant have not been performed, to our knowledge. At this time, there is insufficient evidence to determine if this variant is pathogenic or benign. Therefore, we consider this a variant of uncertain significance. ACMG Criteria: BP4, PM2

Ambry Genetics
Classification: Uncertain significance for Inborn genetic diseases. Last evaluated: 2023-08-02. Review status: criteria provided, single submitter. Criteria: Ambry Variant Classification Scheme 2023. Collection method: clinical testing. Allele origin: germline.